The following is an entry in ClinVar:

ClinVar aggregate classification (germline): Uncertain significance. Review status: criteria provided, multiple submitters, no conflicts (2 of 4 stars). 2 submissions from 2 submitters: Uncertain significance (2). Last evaluated 2023-03-21.

Conditions:
Inborn genetic diseases. Identifiers: MedGen C0950123, MeSH D030342.

Allele frequency attached by ClinVar (database versions not stated): gnomAD exomes below 0.00001 and 0.00002; TOPMed 0.00002; gnomAD 0.00001; ExAC 0.00002; ESP Exome Variant Server 0.00008.
gnomAD v4.1: 5 of 1,614,022 alleles (0.00031%); highest among the groups gnomAD compares: African/African-American, 0.0053%; no homozygotes.

Submissions (2):

Ambry Genetics
Classification: Uncertain significance for Inborn genetic diseases. Last evaluated: 2023-03-21. Review status: criteria provided, single submitter. Criteria: Ambry Variant Classification Scheme 2023. Collection method: clinical testing. Allele origin: germline.

Labcorp Genetics (formerly Invitae), Labcorp
Classification: Uncertain significance. Last evaluated: 2022-07-12. Review status: criteria provided, single submitter. Criteria: Invitae Variant Classification Sherloc (09022015). Collection method: clinical testing. Allele origin: germline.
Comment: ClinVar contains an entry for this variant (Variation ID: 1450466). In summary, the available evidence is currently insufficient to determine the role of this variant in disease. Therefore, it has been classified as a Variant of Uncertain Significance. Algorithms developed to predict the effect of missense changes on protein structure and function output the following: SIFT: "Tolerated"; PolyPhen-2: "Benign"; Align-GVGD: "Class C0". The glutamine amino acid residue is found in multiple mammalian species, which suggests that this missense change does not adversely affect protein function. This variant has not been reported in the literature in individuals affected with PPCS-related conditions. This variant is present in population databases (rs368077055, gnomAD 0.02%). This sequence change replaces arginine, which is basic and polar, with glutamine, which is neutral and polar, at codon 263 of the PPCS protein (p.Arg263Gln).

NM_024664.4(PPCS):c.788G>A (p.Arg263Gln)

Genes: CCDC30 (coiled-coil domain containing 30; plus strand), PPCS (phosphopantothenoylcysteine synthetase; plus strand). Cytogenetic location: 1p34.2.
Variant type: single nucleotide variant.
Coding change: c.788G>A on transcript NM_024664.4 (MANE Select); coding-DNA position 788, G replaced by A.
Protein change: p.Arg263Gln; replaces arginine 263 with glutamine.
Molecular consequence: missense variant. On other transcripts: intron variant (2).
Genome position (GRCh38, 1-based): chr1:42,459,778, G>A. VCF-style: chr1-42459778-G-A. GRCh37 (hg19) VCF-style: chr1-42925449-G-A.
Other names: c.269G>A, p.Arg90Gln (NM_001077447.3, NM_001287506.1, NM_001287508.2 and 2 more transcripts); c.170G>A, p.Arg57Gln (NM_001287507.1); c.-880+2428G>A (NM_001355226.2); c.612+2428G>A (NM_001287511.2); short protein forms R263Q, R90Q, R57Q.
Identifiers: ClinVar variation 1450466 (VCV001450466.8), dbSNP rs368077055, ClinGen allele CA800072.